The following is an entry in ClinVar:

NM_025136.4(OPA3):c.206A>C (p.Lys69Thr)

Genes: OPA3 (outer mitochondrial membrane lipid metabolism regulator OPA3; minus strand), OPA3-RTN2 (OPA3-RTN2 readthrough; minus strand). Cytogenetic location: 19q13.32.
Variant type: single nucleotide variant.
Coding change: c.206A>C on transcript NM_025136.4 (MANE Select); coding-DNA position 206, A replaced by C.
Protein change: p.Lys69Thr; replaces lysine 69 with threonine.
Molecular consequence: missense variant. On other transcripts: intron variant (1).
Genome position (GRCh38, 1-based): chr19:45,553,848, T>G on the plus strand (A>C on the coding strand, the complement: OPA3 is on the minus strand). VCF-style: chr19-45553848-T-G. GRCh37 (hg19) VCF-style: chr19-46057106-T-G.
Other names: c.206A>C (NM_025136.3); c.143-24392A>C (NM_001017989.3); short protein forms K69T.
Identifiers: ClinVar variation 1485991 (VCV001485991.5), dbSNP rs760083523, ClinGen allele CA9517439.

ClinVar aggregate classification (germline): Conflicting classifications of pathogenicity. Review status: criteria provided, conflicting classifications (1 of 4 stars). 3 submissions from 3 submitters: Likely pathogenic (1); Uncertain significance (2). Last evaluated 2025-08-27.

Conditions:
Achromatopsia. Also called: Rod monochromatism. Identifiers: Orphanet 49382, MedGen C0152200, MONDO:0018852, HP:0011516.
Optic atrophy 3 (OPA3). Also called: OPTIC ATROPHY 3, AUTOSOMAL DOMINANT; Optic atrophy, cataract, and neurologic disorder; Optic atrophy 3 with cataract. Identifiers: Orphanet 67036, MedGen C1833809, MONDO:0008133, OMIM 165300.
3-Methylglutaconic aciduria type 3 (MGCA3). Also called: OPA3, AUTOSOMAL RECESSIVE; OPTIC ATROPHY 3, AUTOSOMAL RECESSIVE; Costeff Syndrome; OPA3-Related 3-Methylglutaconic Aciduria. Identifiers: Orphanet 67047, MedGen C0574084, MONDO:0009787, OMIM 258501.
Inborn genetic diseases. Identifiers: MedGen C0950123, MeSH D030342.

Allele frequency attached by ClinVar (database versions not stated): ExAC 0.00001.
gnomAD v4.1: 11 of 1,612,412 alleles (0.00068%); highest among the groups gnomAD compares: Middle Eastern, 0.016%; no homozygotes.

Submissions (3):

Ambry Genetics
Classification: Uncertain significance for Inborn genetic diseases. Last evaluated: 2025-08-27. Review status: criteria provided, single submitter. Criteria: Ambry Variant Classification Scheme 2023. Collection method: clinical testing. Allele origin: germline.

Labcorp Genetics (formerly Invitae), Labcorp
Classification: Uncertain significance for 3-Methylglutaconic aciduria type 3; Optic atrophy 3. Last evaluated: 2021-12-08. Review status: criteria provided, single submitter. Criteria: Invitae Variant Classification Sherloc (09022015). Collection method: clinical testing. Allele origin: germline.
Comment: This sequence change replaces lysine, which is basic and polar, with threonine, which is neutral and polar, at codon 69 of the OPA3 protein (p.Lys69Thr). This variant is present in population databases (rs760083523, gnomAD 0.0008%). This variant has not been reported in the literature in individuals affected with OPA3-related conditions. Algorithms developed to predict the effect of missense changes on protein structure and function are either unavailable or do not agree on the potential impact of this missense change (SIFT: "Tolerated"; PolyPhen-2: "Probably Damaging"; Align-GVGD: "Class C0"). In summary, the available evidence is currently insufficient to determine the role of this variant in disease. Therefore, it has been classified as a Variant of Uncertain Significance.

DBGen Ocular Genomics
Classification: Likely pathogenic for Achromatopsia. Last evaluated: 2021-01-01. Review status: criteria provided, single submitter. Criteria: ACMG Guidelines, 2015. Collection method: clinical testing. Allele origin: unknown. Inheritance: Autosomal recessive inheritance. Affected: yes.
Comment: Class 4 ACMG Guidelines, 2015